The following is an entry in ClinVar:

ClinVar aggregate classification (germline): Uncertain significance (1 of 4 stars; one submission).

Conditions:
Cortical dysplasia-focal epilepsy syndrome (PTHSL1). Also called: Pitt-Hopkins-like syndrome 1. Identifiers: Orphanet 163681, Orphanet 221150, MedGen C2750246, MONDO:0012400, OMIM 610042.

gnomAD v4.1: 2 of 1,613,644 alleles (0.00012%); highest among the groups gnomAD compares: Non-Finnish European, 0.00017%; no homozygotes.

Submission:

Labcorp Genetics (formerly Invitae), Labcorp
Classification: Uncertain significance for Cortical dysplasia-focal epilepsy syndrome. Last evaluated: 2022-07-30. Review status: criteria provided, single submitter. Criteria: Invitae Variant Classification Sherloc (09022015). Collection method: clinical testing. Allele origin: germline.
Comment: This sequence change replaces alanine, which is neutral and non-polar, with valine, which is neutral and non-polar, at codon 63 of the CNTNAP2 protein (p.Ala63Val). This variant is not present in population databases (gnomAD no frequency). This variant has not been reported in the literature in individuals affected with CNTNAP2-related conditions. Algorithms developed to predict the effect of missense changes on protein structure and function are either unavailable or do not agree on the potential impact of this missense change (SIFT: "Deleterious"; PolyPhen-2: "Probably Damaging"; Align-GVGD: "Class C0"). In summary, the available evidence is currently insufficient to determine the role of this variant in disease. Therefore, it has been classified as a Variant of Uncertain Significance.

NM_014141.6(CNTNAP2):c.188C>T (p.Ala63Val)

Gene: CNTNAP2 (contactin associated protein 2; plus strand). Cytogenetic location: 7q35.
Variant type: single nucleotide variant.
Coding change: c.188C>T on transcript NM_014141.6 (MANE Select); coding-DNA position 188, C replaced by T.
Protein change: p.Ala63Val; replaces alanine 63 with valine.
Molecular consequence: missense variant.
Genome position (GRCh38, 1-based): chr7:146,774,361, C>T. VCF-style: chr7-146774361-C-T. GRCh37 (hg19) VCF-style: chr7-146471453-C-T.
Other names: short protein forms A63V.
Identifiers: ClinVar variation 2088734 (VCV002088734.4), dbSNP rs1286172885, ClinGen allele CA369922401.